The following is an entry in ClinVar:

NM_004863.4(SPTLC2):c.612C>T (p.Cys204=)

Gene: SPTLC2 (serine palmitoyltransferase long chain base subunit 2; minus strand). Cytogenetic location: 14q24.3.
Variant type: single nucleotide variant.
Coding change: c.612C>T on transcript NM_004863.4 (MANE Select); coding-DNA position 612, C replaced by T.
Protein change: p.Cys204=; no amino-acid change (cysteine 204 retained).
Molecular consequence: synonymous variant.
Genome position (GRCh38, 1-based): chr14:77,576,786, G>A on the plus strand (C>T on the coding strand, the complement: SPTLC2 is on the minus strand). VCF-style: chr14-77576786-G-A. GRCh37 (hg19) VCF-style: chr14-78043129-G-A.
Identifiers: ClinVar variation 380349 (VCV000380349.16), dbSNP rs115500562, ClinGen allele CA7289413.

ClinVar aggregate classification (germline): Benign/Likely benign. Review status: criteria provided, multiple submitters, no conflicts (2 of 4 stars). 3 submissions from 3 submitters: Benign (1); Likely benign (1). 1 of the submissions does not count toward it. Last evaluated 2025-10-13.

Conditions:
SPTLC2-related disorder. Also called: SPTLC2-related condition.
Neuropathy, hereditary sensory and autonomic, type 1C. Also called: HSAN IC; HSN IC. Identifiers: Orphanet 36386, MedGen C3150896, MONDO:0013337, OMIM 613640.

Allele frequency attached by ClinVar (database versions not stated): gnomAD exomes 0.00005 and 0.00014; ExAC 0.00024; ESP Exome Variant Server 0.00054; 1000 Genomes Project 0.00060; gnomAD 0.00060 and 0.00065; TOPMed 0.00065; 1000 Genomes Project 30x 0.00094.
gnomAD v4.1: 161 of 1,614,150 alleles (0.01%); highest among the groups gnomAD compares: African/African-American, 0.19%; no homozygotes.

Submissions (3):

Labcorp Genetics (formerly Invitae), Labcorp
Classification: Benign for Neuropathy, hereditary sensory and autonomic, type 1C. Last evaluated: 2025-10-13. Review status: criteria provided, single submitter. Criteria: Invitae Variant Classification Sherloc (09022015). Collection method: clinical testing. Allele origin: germline.

GeneDx
Classification: Likely benign. Last evaluated: 2019-09-03. Review status: criteria provided, single submitter. Criteria: GeneDx Variant Classification Process June 2021. Collection method: clinical testing. Allele origin: germline. Affected: yes.

PreventionGenetics, part of Exact Sciences
Classification: Likely benign for SPTLC2-related condition. Last evaluated: 2019-04-25. Review status: no assertion criteria provided. Collection method: clinical testing. Allele origin: germline. Not counted in ClinVar's aggregate classification.
Comment: This variant is classified as likely benign based on ACMG/AMP sequence variant interpretation guidelines (Richards et al. 2015 PMID: 25741868, with internal and published modifications).